The following is an entry in ClinVar:

ClinVar aggregate classification (germline): Uncertain significance (0 of 4 stars; one submission).

Conditions:
MRAP2-related disorder. Also called: MRAP2-related condition.

gnomAD v4.1: 5 of 1,613,340 alleles (0.00031%); highest among the groups gnomAD compares: Admixed American, 0.0084%; no homozygotes.

Submission:

PreventionGenetics, part of Exact Sciences
Classification: Uncertain significance for MRAP2-related condition. Last evaluated: 2024-07-10. Review status: no assertion criteria provided. Collection method: clinical testing. Allele origin: germline.
Comment: The MRAP2 c.18A>C variant is predicted to result in the amino acid substitution p.Leu6Phe. To our knowledge, this variant has not been reported in the literature. This variant is reported in 0.0087% of alleles in individuals of Latino descent in gnomAD. At this time, the clinical significance of this variant is uncertain due to the absence of conclusive functional and genetic evidence.

NM_138409.4(MRAP2):c.18A>C (p.Leu6Phe)

Gene: MRAP2 (melanocortin 2 receptor accessory protein 2; plus strand). Cytogenetic location: 6q14.2.
Variant type: single nucleotide variant.
Coding change: c.18A>C on transcript NM_138409.4 (MANE Select); coding-DNA position 18, A replaced by C.
Protein change: p.Leu6Phe; replaces leucine 6 with phenylalanine.
Molecular consequence: missense variant. On other transcripts: 5 prime UTR variant (2).
Genome position (GRCh38, 1-based): chr6:84,055,336, A>C. VCF-style: chr6-84055336-A-C. GRCh37 (hg19) VCF-style: chr6-84765055-A-C.
Other names: c.-141A>C (NM_001346541.2); c.18A>C, p.Leu6Phe (NM_001346542.2, NM_001346544.2); c.-242A>C (NM_001346543.2); short protein forms L6F.
Identifiers: ClinVar variation 3349540 (VCV003349540.1).
Genomic context (GRCh38, chr6:84,055,336, plus strand): 5'-AACAGGTTCTGCGCTTGACTTTCTCCATTTGTGCAGGTCGGAGATGTCCGCCCAGAGGTT[A>C]ATTTCTAACAGAACCTCCCAGCAATCGGCATCTAATTCTGATTACACCTGGGAATATGAA-3'
Protein context (NP_612418.2, residues 1-16): MSAQR[Leu6Phe]ISNRTSQQSA